The following is an entry in ClinVar:

NM_000057.4(BLM):c.3071A>G (p.Tyr1024Cys)

Gene: BLM (BLM RecQ like helicase; plus strand). Cytogenetic location: 15q26.1.
Variant type: single nucleotide variant.
Coding change: c.3071A>G on transcript NM_000057.4 (MANE Select); coding-DNA position 3071, A replaced by G.
Protein change: p.Tyr1024Cys; replaces tyrosine 1024 with cysteine.
Molecular consequence: missense variant.
Genome position (GRCh38, 1-based): chr15:90,794,218, A>G. VCF-style: chr15-90794218-A-G. GRCh37 (hg19) VCF-style: chr15-91337448-A-G.
Other names: c.3071A>G (LRG_20t1); c.3071A>G, p.Tyr1024Cys (NM_001287246.2, NM_001287247.2); c.1946A>G, p.Tyr649Cys (NM_001287248.2); short protein forms Y1024C, Y649C.
Identifiers: ClinVar variation 317408 (VCV000317408.19), dbSNP rs201676342, ClinGen allele CA7738937.

ClinVar aggregate classification (germline): Uncertain significance. Review status: criteria provided, multiple submitters, no conflicts (2 of 4 stars). 5 submissions from 5 submitters: Uncertain significance (4). 1 of the submissions does not count toward it. Last evaluated 2026-01-21.

Conditions:
Hereditary cancer-predisposing syndrome. Also called: Hereditary neoplastic syndrome; Tumor predisposition; Hereditary Cancer Syndrome; Neoplastic Syndromes, Hereditary. Identifiers: Orphanet 140162, MedGen C0027672, MeSH D009386, MONDO:0015356.
Bloom syndrome (BLM). Also called: Bloom-Torre-Machacek syndrome. Identifiers: Orphanet 125, MedGen C0005859, MONDO:0008876, OMIM 210900.

Allele frequency attached by ClinVar (database versions not stated): gnomAD exomes 0.00001 and 0.00002; ExAC 0.00002; gnomAD 0.00005 and 0.00006; TOPMed 0.00005.

Submissions (5):

Labcorp Genetics (formerly Invitae), Labcorp
Classification: Uncertain significance for Bloom syndrome. Last evaluated: 2026-01-21. Review status: criteria provided, single submitter. Criteria: Invitae Variant Classification Sherloc (09022015). Collection method: clinical testing. Allele origin: germline.
Comment: This sequence change replaces tyrosine, which is neutral and polar, with cysteine, which is neutral and slightly polar, at codon 1024 of the BLM protein (p.Tyr1024Cys). This variant is present in population databases (rs201676342, gnomAD 0.005%). This variant has not been reported in the literature in individuals affected with BLM-related conditions. ClinVar contains an entry for this variant (Variation ID: 317408). Invitae Evidence Modeling of protein sequence and biophysical properties (such as structural, functional, and spatial information, amino acid conservation, physicochemical variation, residue mobility, and thermodynamic stability) indicates that this missense variant is not expected to disrupt BLM protein function with a negative predictive value of 80%. In summary, the available evidence is currently insufficient to determine the role of this variant in disease. Therefore, it has been classified as a Variant of Uncertain Significance.

Ambry Genetics
Classification: Uncertain significance for Hereditary cancer-predisposing syndrome. Last evaluated: 2023-04-21. Review status: criteria provided, single submitter. Criteria: Ambry Variant Classification Scheme 2023. Collection method: clinical testing. Allele origin: germline.
Comment: The p.Y1024C variant (also known as c.3071A>G), located in coding exon 15 of the BLM gene, results from an A to G substitution at nucleotide position 3071. The tyrosine at codon 1024 is replaced by cysteine, an amino acid with highly dissimilar properties. This amino acid position is well conserved in available vertebrate species. In addition, the in silico prediction for this alteration is inconclusive. Since supporting evidence is limited at this time, the clinical significance of this alteration remains unclear.

Blueprint Genetics
Classification: Uncertain significance. Last evaluated: 2018-12-10. Review status: criteria provided, single submitter. Criteria: ACMG Guidelines, 2015. Collection method: clinical testing. Allele origin: germline.

Illumina Laboratory Services, Illumina
Classification: Uncertain significance for Bloom syndrome. Last evaluated: 2018-01-13. Review status: criteria provided, single submitter. Criteria: ICSL Variant Classification Criteria 13 December 2019. Collection method: clinical testing. Allele origin: germline.

Natera, Inc.
Classification: Uncertain significance for Bloom syndrome. Last evaluated: 2020-09-16. Review status: no assertion criteria provided. Collection method: clinical testing. Allele origin: germline. Not counted in ClinVar's aggregate classification.